The following is an entry in ClinVar:

NM_000528.4(MAN2B1):c.1420-104_1449del

Gene: MAN2B1 (mannosidase alpha class 2B member 1; minus strand). Cytogenetic location: 19p13.13.
Variant type: Deletion.
Coding change: c.1420-104_1449del on transcript NM_000528.4 (MANE Select); 104 bases into the intron before coding-DNA position 1420 through coding-DNA position 1449, 134 bases deleted.
Molecular consequence: splice acceptor variant.
Genome position (GRCh38, 1-based): chr19:12,657,027-12,657,160, 134 bases deleted. GRCh37 (hg19): chr19:12,767,844-12,767,977.
Other names: c.1417-104_1446del (NM_001173498.2).
Identifiers: ClinVar variation 2130303 (VCV002130303.4), dbSNP rs2512500150, ClinGen allele CA2580096504.

ClinVar aggregate classification (germline): Likely pathogenic (1 of 4 stars; one submission).

Conditions:
Deficiency of alpha-mannosidase (MANSA). Also called: Mannosidosis, alpha-, types I and II; Alpha-Mannosidosis; LYSOSOMAL ALPHA-D-MANNOSIDASE DEFICIENCY. Identifiers: Orphanet 61, MedGen C0024748, MONDO:0009561, OMIM 248500.

Submission:

Labcorp Genetics (formerly Invitae), Labcorp
Classification: Likely pathogenic for Deficiency of alpha-mannosidase. Last evaluated: 2022-04-24. Review status: criteria provided, single submitter. Criteria: Invitae Variant Classification Sherloc (09022015). Collection method: clinical testing. Allele origin: germline.
Comment: In summary, the currently available evidence indicates that the variant is pathogenic, but additional data are needed to prove that conclusively. Therefore, this variant has been classified as Likely Pathogenic. Algorithms developed to predict the effect of sequence changes on RNA splicing suggest that this variant may disrupt the consensus splice site. This variant has not been reported in the literature in individuals affected with MAN2B1-related conditions. This variant is not present in population databases (gnomAD no frequency). This variant results in the deletion of part of exon 12 (c.1420-104_1449del) of the MAN2B1 gene. It is expected to disrupt RNA splicing. Variants that disrupt the donor or acceptor splice site typically lead to a loss of protein function (PMID: 16199547), and loss-of-function variants in MAN2B1 are known to be pathogenic (PMID: 9915946, 22161967).

Literature cited by the submitters: PubMed 16199547; PubMed 9915946; PubMed 22161967.